The following is an entry in ClinVar:

ClinVar aggregate classification (germline): Likely benign. Review status: criteria provided, multiple submitters, no conflicts (2 of 4 stars). 4 submissions from 4 submitters: Likely benign (4). Last evaluated 2025-11-23.

Conditions:
Exudative vitreoretinopathy 1 (EVR1). Also called: FEVR, AUTOSOMAL DOMINANT; Familial exudative vitreoretinopathy, autosomal dominant; CRISWICK-SCHEPENS SYNDROME. Identifiers: Orphanet 891, Orphanet 90050, MedGen C1851402, MONDO:0007589, OMIM 133780.
Osteoporosis. Identifiers: MedGen C0029456, MONDO:0005298, OMIM 166710, HP:0000939.
Autosomal dominant osteopetrosis 1 (OPTA1). Also called: OSTEOPETROSIS, AUTOSOMAL DOMINANT, TYPE I. Identifiers: Orphanet 2783, MedGen C1843330, MONDO:0011877, OMIM 607634.
Osteoporosis with pseudoglioma (OPPG). Also called: osteoporosis-pseudoglioma syndrome. Identifiers: Orphanet 2788, MedGen C0432252, MONDO:0009820, OMIM 259770.
Polycystic liver disease 4 with or without kidney cysts. Identifiers: MedGen C4693479, MONDO:0044327, OMIM 617875.
Bone mineral density quantitative trait locus 1 (BMND1). Identifiers: MedGen C1866079, OMIM 601884.
Exudative vitreoretinopathy 4 (EVR4). Identifiers: Orphanet 891, MedGen C1866176, MONDO:0011151, OMIM 601813.
Worth disease. Also called: ENDOSTEAL HYPEROSTOSIS, AUTOSOMAL DOMINANT; Autosomal dominant osteosclerosis, Worth type; OSTEOSCLEROSIS, AUTOSOMAL DOMINANT. Identifiers: Orphanet 2790, MedGen C0432273, MONDO:0007764, OMIM 144750.

Allele frequency attached by ClinVar (database versions not stated): ExAC 0.00021; gnomAD 0.00143 and 0.00145; 1000 Genomes Project 30x 0.00156; 1000 Genomes Project 0.00180.
gnomAD v4.1: 385 of 464,430 alleles (0.083%); highest among the groups gnomAD compares: African/African-American, 0.59%; no homozygotes.

Submissions (4):

Labcorp Genetics (formerly Invitae), Labcorp
Classification: Likely benign. Last evaluated: 2025-11-23. Review status: criteria provided, single submitter. Criteria: Invitae Variant Classification Sherloc (09022015). Collection method: clinical testing. Allele origin: germline.

Women's Health and Genetics/Laboratory Corporation of America, LabCorp
Classification: Likely benign. Last evaluated: 2025-09-15. Review status: criteria provided, single submitter. Criteria: LabCorp Variant Classification Summary - May 2015. Collection method: clinical testing. Allele origin: germline.
Comment: Variant summary: LRP5 c.4488+20A>G alters a non-conserved nucleotide located at a position not widely known to affect splicing. Consensus agreement among computation tools predict no significant impact on normal splicing. However, these predictions have yet to be confirmed by functional studies. The frequency data for this variant in gnomAD is considered unreliable, as metrics indicate poor data quality at this position. To our knowledge, no occurrence of c.4488+20A>G in individuals affected with LRP5-related conditions and no experimental evidence demonstrating its impact on protein function have been reported. ClinVar contains an entry for this variant (Variation ID: 1090974). Based on the evidence outlined above, the variant was classified as likely benign.

Blueprint Genetics
Classification: Likely benign. Last evaluated: 2024-03-19. Review status: criteria provided, single submitter. Criteria: ACMG Guidelines, 2015. Collection method: clinical testing. Allele origin: germline.

Fulgent Genetics
Classification: Likely benign for Exudative vitreoretinopathy 1; Worth disease; Osteoporosis; Osteoporosis with pseudoglioma; Exudative vitreoretinopathy 4; Bone mineral density quantitative trait locus 1; Autosomal dominant osteopetrosis 1; Polycystic liver disease 4 with or without kidney cysts. Last evaluated: 2021-08-09. Review status: criteria provided, single submitter. Criteria: ACMG Guidelines, 2015. Collection method: clinical testing. Allele origin: unknown.

NM_002335.4(LRP5):c.4488+20A>G

Gene: LRP5 (LDL receptor related protein 5; plus strand). Cytogenetic location: 11q13.2.
Variant type: single nucleotide variant.
Coding change: c.4488+20A>G on transcript NM_002335.4 (MANE Select); 20 bases into the intron after coding-DNA position 4488, A replaced by G.
Molecular consequence: intron variant.
Genome position (GRCh38, 1-based): chr11:68,439,936, A>G. VCF-style: chr11-68439936-A-G. GRCh37 (hg19) VCF-style: chr11-68207404-A-G.
Other names: c.2745+20A>G (NM_001291902.2).
Identifiers: ClinVar variation 1090974 (VCV001090974.12), dbSNP rs554995200, ClinGen allele CA6150386.